The following is an entry in ClinVar:

NM_001286.5(CLCN6):c.235G>A (p.Val79Met)

Gene: CLCN6 (chloride voltage-gated channel 6; plus strand). Cytogenetic location: 1p36.22.
Variant type: single nucleotide variant.
Coding change: c.235G>A on transcript NM_001286.5 (MANE Select); coding-DNA position 235, G replaced by A.
Protein change: p.Val79Met; replaces valine 79 with methionine.
Molecular consequence: missense variant. On other transcripts: non-coding transcript variant (1).
Genome position (GRCh38, 1-based): chr1:11,816,636, G>A. VCF-style: chr1-11816636-G-A. GRCh37 (hg19) VCF-style: chr1-11876693-G-A.
Other names: c.169G>A, p.Val57Met (NM_001256959.2); short protein forms V79M, V57M.
Identifiers: ClinVar variation 3680913 (VCV003680913.2).

ClinVar aggregate classification (germline): Uncertain significance (1 of 4 stars; one submission).

Submission:

Labcorp Genetics (formerly Invitae), Labcorp
Classification: Uncertain significance. Last evaluated: 2024-08-13. Review status: criteria provided, single submitter. Criteria: Invitae Variant Classification Sherloc (09022015). Collection method: clinical testing. Allele origin: germline.
Comment: This sequence change replaces valine, which is neutral and non-polar, with methionine, which is neutral and non-polar, at codon 79 of the CLCN6 protein (p.Val79Met). This variant is present in population databases (rs759430773, gnomAD 0.02%). This variant has not been reported in the literature in individuals affected with CLCN6-related conditions. An algorithm developed to predict the effect of missense changes on protein structure and function (PolyPhen-2) suggests that this variant is likely to be tolerated. In summary, the available evidence is currently insufficient to determine the role of this variant in disease. Therefore, it has been classified as a Variant of Uncertain Significance.